The following is an entry in ClinVar:

NM_017617.5(NOTCH1):c.3999C>G (p.Ile1333Met)

Gene: NOTCH1 (notch receptor 1; minus strand). Cytogenetic location: 9q34.3.
Variant type: single nucleotide variant.
Coding change: c.3999C>G on transcript NM_017617.5 (MANE Select); coding-DNA position 3999, C replaced by G.
Protein change: p.Ile1333Met; replaces isoleucine 1333 with methionine.
Molecular consequence: missense variant.
Genome position (GRCh38, 1-based): chr9:136,506,542, G>C on the plus strand (C>G on the coding strand, the complement: NOTCH1 is on the minus strand). VCF-style: chr9-136506542-G-C. GRCh37 (hg19) VCF-style: chr9-139400994-G-C.
Other names: short protein forms I1333M.
Identifiers: ClinVar variation 1709378 (VCV001709378.2), dbSNP rs2133342416, ClinGen allele CA375548625.
Genomic context (GRCh38, chr9:136,506,542, plus strand): 5'-TGTCTCCCCTGGCGGGCCCCTGCCTCCCTGCACCCCTGCACCTACCGCAGGGCACTTGCA[G>C]ATGAACCCGCGGGCGGTGTTGGAGGCCACGGCGCAGGTGCCCCCATTCTTGCAGGGCTTG-3'
Protein context (NP_060087.3, residues 1323-1343): AVASNTARGF[Ile1333Met]CKCPAGFEGA

ClinVar aggregate classification (germline): Uncertain significance (1 of 4 stars; one submission).

Conditions:
Aortic valve disease 1 (AOVD1). Identifiers: MedGen C3887892, MONDO:0024523, OMIM 109730.

Submission:

MGZ Medical Genetics Center
Classification: Uncertain significance for Aortic valve disease 1. Last evaluated: 2022-05-02. Review status: criteria provided, single submitter. Criteria: ACMG Guidelines, 2015. Collection method: clinical testing. Allele origin: germline. Affected: yes. Observed: 1 variant allele.
Comment: ACMG criteria applied: PM2_SUP, PP2, PP3